The following is an entry in ClinVar:

ClinVar aggregate classification (germline): Uncertain significance (1 of 4 stars; one submission).

gnomAD v4.1: 3 of 1,613,878 alleles (0.00019%); highest among the groups gnomAD compares: African/African-American, 0.004%; no homozygotes.

Submission:

Labcorp Genetics (formerly Invitae), Labcorp
Classification: Uncertain significance. Last evaluated: 2022-08-23. Review status: criteria provided, single submitter. Criteria: Invitae Variant Classification Sherloc (09022015). Collection method: clinical testing. Allele origin: germline.
Comment: This sequence change replaces proline, which is neutral and non-polar, with glutamine, which is neutral and polar, at codon 677 of the ERCC6 protein (p.Pro677Gln). This variant is not present in population databases (gnomAD no frequency). This variant has not been reported in the literature in individuals affected with ERCC6-related conditions. Algorithms developed to predict the effect of missense changes on protein structure and function (SIFT, PolyPhen-2, Align-GVGD) all suggest that this variant is likely to be disruptive. Algorithms developed to predict the effect of sequence changes on RNA splicing suggest that this variant may create or strengthen a splice site. In summary, the available evidence is currently insufficient to determine the role of this variant in disease. Therefore, it has been classified as a Variant of Uncertain Significance.

NM_000124.4(ERCC6):c.2030C>A (p.Pro677Gln)

Gene: ERCC6 (ERCC excision repair 6, chromatin remodeling factor; minus strand). Cytogenetic location: 10q11.23.
Variant type: single nucleotide variant.
Coding change: c.2030C>A on transcript NM_000124.4 (MANE Select); coding-DNA position 2030, C replaced by A.
Protein change: p.Pro677Gln; replaces proline 677 with glutamine.
Molecular consequence: missense variant.
Genome position (GRCh38, 1-based): chr10:49,482,826, G>T on the plus strand (C>A on the coding strand, the complement: ERCC6 is on the minus strand). VCF-style: chr10-49482826-G-T. GRCh37 (hg19) VCF-style: chr10-50690872-G-T.
Other names: c.2030C>A, p.Pro677Gln (NM_001346440.2); short protein forms P677Q.
Identifiers: ClinVar variation 1919886 (VCV001919886.2), dbSNP rs749619397, ClinGen allele CA376724424.